The following is an entry in ClinVar:

ClinVar aggregate classification (germline): Conflicting classifications of pathogenicity. Review status: criteria provided, conflicting classifications (1 of 4 stars). 7 submissions from 7 submitters: Uncertain significance (6); Benign (1). Last evaluated 2025-11-24.

Conditions:
Hereditary cancer-predisposing syndrome. Also called: Neoplastic Syndromes, Hereditary; Hereditary Cancer Syndrome; Tumor predisposition; Hereditary neoplastic syndrome. Identifiers: Orphanet 140162, MedGen C0027672, MeSH D009386, MONDO:0015356.
Cardiovascular phenotype. Identifiers: MedGen CN230736.
NF1-related disorder. Also called: NF1-related condition. Identifiers: MedGen CN379171.
Juvenile myelomonocytic leukemia (JMML). Also called: LEUKEMIA, JUVENILE MYELOMONOCYTIC, SOMATIC. Identifiers: Orphanet 86834, MedGen C0349639, MONDO:0011908, OMIM 607785, HP:0012209.
Neurofibromatosis, type 1 (NF1). Also called: VON RECKLINGHAUSEN DISEASE; NEUROFIBROMATOSIS, TYPE I, SOMATIC; Peripheral type neurofibromatosis; Neurofibromatosis, type I. Identifiers: Orphanet 636, MedGen C0027831, MONDO:0018975, OMIM 162200. Disease mechanism: loss of function.

Allele frequency attached by ClinVar (database versions not stated): gnomAD 0.00002; 1000 Genomes Project 30x 0.00031; TOPMed 0.00001.
gnomAD v4.1: 4 of 1,612,690 alleles (0.00025%); highest among the groups gnomAD compares: African/African-American, 0.0053%; no homozygotes.

Submissions (7):

Labcorp Genetics (formerly Invitae), Labcorp
Classification: Benign for Neurofibromatosis, type 1. Last evaluated: 2025-11-24. Review status: criteria provided, single submitter. Criteria: Invitae Variant Classification Sherloc (09022015). Collection method: clinical testing. Allele origin: germline.

PreventionGenetics, part of Exact Sciences
Classification: Uncertain significance for NF1-related condition. Last evaluated: 2025-09-09. Review status: criteria provided, single submitter. Criteria: ACMG Guidelines, 2015. Collection method: clinical testing. Allele origin: germline.
Comment: The NF1 c.4657C>G variant is predicted to result in the amino acid substitution p.Pro1553Ala. To our knowledge, this variant has not been reported in the literature. This variant is reported in 0.011% of alleles in individuals of African descent in gnomAD. Although we suspect that this variant may be benign, at this time, the clinical significance of this variant is uncertain due to the absence of conclusive functional and genetic evidence.

Quest Diagnostics Nichols Institute San Juan Capistrano
Classification: Uncertain significance. Last evaluated: 2025-08-20. Review status: criteria provided, single submitter. Criteria: Quest Diagnostics criteria. Collection method: clinical testing. Allele origin: unknown.

Ambry Genetics
Classification: Uncertain significance for Cardiovascular phenotype; Hereditary cancer-predisposing syndrome. Last evaluated: 2025-02-28. Review status: criteria provided, single submitter. Criteria: Ambry Variant Classification Scheme 2023. Collection method: clinical testing. Allele origin: germline.
Comment: The p.P1532A variant (also known as c.4594C>G), located in coding exon 34 of the NF1 gene, results from a C to G substitution at nucleotide position 4594. The proline at codon 1532 is replaced by alanine, an amino acid with highly similar properties. This amino acid position is highly conserved in available vertebrate species. In addition, this alteration is predicted to be tolerated by in silico analysis. Based on the available evidence, the clinical significance of this variant remains unclear.

Baylor Genetics
Classification: Uncertain significance for Juvenile myelomonocytic leukemia. Last evaluated: 2024-02-05. Review status: criteria provided, single submitter. Criteria: ACMG Guidelines, 2015. Collection method: clinical testing. Allele origin: unknown.

GeneDx
Classification: Uncertain significance. Last evaluated: 2023-09-27. Review status: criteria provided, single submitter. Criteria: GeneDx Variant Classification Process June 2021. Collection method: clinical testing. Allele origin: germline.
Comment: In silico analysis supports that this missense variant has a deleterious effect on protein structure/function; Has not been previously published as pathogenic or benign to our knowledge; This variant is associated with the following publications: (PMID: 22807134)

Genome-Nilou Lab
Classification: Uncertain significance for Neurofibromatosis, type 1. Last evaluated: 2022-03-15. Review status: criteria provided, single submitter. Criteria: ACMG Guidelines, 2015. Collection method: clinical testing. Allele origin: germline. Affected: no.

NM_001042492.3(NF1):c.4657C>G (p.Pro1553Ala)

Gene: NF1 (neurofibromin 1; plus strand). Cytogenetic location: 17q11.2.
Variant type: single nucleotide variant.
Coding change: c.4657C>G on transcript NM_001042492.3 (MANE Select); coding-DNA position 4657, C replaced by G.
Protein change: p.Pro1553Ala; replaces proline 1553 with alanine.
Molecular consequence: missense variant.
Genome position (GRCh38, 1-based): chr17:31,261,790, C>G. VCF-style: chr17-31261790-C-G. GRCh37 (hg19) VCF-style: chr17-29588808-C-G.
Other names: c.4594C>G, p.Pro1532Ala (NM_000267.4); short protein forms P1532A, P1553A.
Identifiers: ClinVar variation 481983 (VCV000481983.60), dbSNP rs1033427343, ClinGen allele CA399000394.